The following is an entry in ClinVar:

ClinVar aggregate classification (germline): Uncertain significance (1 of 4 stars; one submission).

Allele frequency attached by ClinVar (database versions not stated): TOPMed below 0.00001; gnomAD exomes 0.00001.
gnomAD v4.1: 9 of 1,614,074 alleles (0.00056%); highest among the groups gnomAD compares: African/African-American, 0.0013%; no homozygotes.

Submission:

Labcorp Genetics (formerly Invitae), Labcorp
Classification: Uncertain significance. Last evaluated: 2026-01-19. Review status: criteria provided, single submitter. Criteria: Invitae Variant Classification Sherloc (09022015). Collection method: clinical testing. Allele origin: germline.
Comment: This sequence change replaces asparagine, which is neutral and polar, with serine, which is neutral and polar, at codon 247 of the CASQ1 protein (p.Asn247Ser). This variant is present in population databases (no rsID available, gnomAD no frequency). This variant has not been reported in the literature in individuals affected with CASQ1-related conditions. ClinVar contains an entry for this variant (Variation ID: 1950195). Invitae Evidence Modeling of protein sequence and biophysical properties (such as structural, functional, and spatial information, amino acid conservation, physicochemical variation, residue mobility, and thermodynamic stability) indicates that this missense variant is not expected to disrupt CASQ1 protein function with a negative predictive value of 80%. In summary, the available evidence is currently insufficient to determine the role of this variant in disease. Therefore, it has been classified as a Variant of Uncertain Significance.

NM_001231.5(CASQ1):c.740A>G (p.Asn247Ser)

Gene: CASQ1 (calsequestrin 1; plus strand). Cytogenetic location: 1q23.2.
Variant type: single nucleotide variant.
Coding change: c.740A>G on transcript NM_001231.5 (MANE Select); coding-DNA position 740, A replaced by G.
Protein change: p.Asn247Ser; replaces asparagine 247 with serine.
Molecular consequence: missense variant.
Genome position (GRCh38, 1-based): chr1:160,195,985, A>G. VCF-style: chr1-160195985-A-G. GRCh37 (hg19) VCF-style: chr1-160165775-A-G.
Other names: short protein forms N247S.
Identifiers: ClinVar variation 1950195 (VCV001950195.5), dbSNP rs1309052664, ClinGen allele CA343258614.
Genomic context (GRCh38, chr1:160,195,985, plus strand): 5'-ATGAGATTGATTTCTACGAGGCCTTCATGGAAGAGCCTGTGACCATCCCAGACAAGCCCA[A>G]TAGCGAAGAGGAGATTGTCAACTTCGTGGAGGAGCACAGGAGGTGGGGACCAAGGGCAAC-3'
Protein context (NP_001222.3, residues 237-257): EEPVTIPDKP[Asn247Ser]SEEEIVNFVE